The following is an entry in ClinVar:

ClinVar aggregate classification (germline): Uncertain significance (1 of 4 stars; one submission).

Conditions:
RYR1-related disorder. Also called: RYR1-related disorders; RYR1-related condition. Identifiers: MedGen CN239331.

Submission:

Labcorp Genetics (formerly Invitae), Labcorp
Classification: Uncertain significance for RYR1-related disorder. Last evaluated: 2019-05-10. Review status: criteria provided, single submitter. Criteria: Invitae Variant Classification Sherloc (09022015). Collection method: clinical testing. Allele origin: germline.
Comment: Algorithms developed to predict the effect of missense changes on protein structure and function are either unavailable or do not agree on the potential impact of this missense change (SIFT: "Deleterious"; PolyPhen-2: "Possibly Damaging"; Align-GVGD: "Class C0"). In summary, the available evidence is currently insufficient to determine the role of this variant in disease. Therefore, it has been classified as a Variant of Uncertain Significance. This sequence change is located in a region of the RYR1 protein where a significant number of previously reported RYR1 missense mutations are found (PMID: 16084090). This variant has not been reported in the literature in individuals with RYR1-related conditions. This variant is not present in population databases (ExAC no frequency). This sequence change replaces valine with glutamic acid at codon 4855 of the RYR1 protein (p.Val4855Glu). The valine residue is highly conserved and there is a moderate physicochemical difference between valine and glutamic acid.

Literature cited by the submitters: PubMed 16084090.

NM_000540.3(RYR1):c.14564T>A (p.Val4855Glu)

Gene: RYR1 (ryanodine receptor 1; plus strand). Cytogenetic location: 19q13.2.
Variant type: single nucleotide variant.
Coding change: c.14564T>A on transcript NM_000540.3 (MANE Select); coding-DNA position 14564, T replaced by A.
Protein change: p.Val4855Glu; replaces valine 4855 with glutamic acid.
Molecular consequence: missense variant.
Genome position (GRCh38, 1-based): chr19:38,580,422, T>A. VCF-style: chr19-38580422-T-A. GRCh37 (hg19) VCF-style: chr19-39071062-T-A.
Other names: c.14549T>A, p.Val4850Glu (NM_001042723.2); short protein forms V4850E, V4855E.
Identifiers: ClinVar variation 854690 (VCV000854690.9), dbSNP rs1974148419, ClinGen allele CA405687708.